The following is an entry in ClinVar:

NM_001080453.3(INTS1):c.6139A>G (p.Met2047Val)

Gene: INTS1 (integrator complex subunit 1; minus strand). Cytogenetic location: 7p22.3.
Variant type: single nucleotide variant.
Coding change: c.6139A>G on transcript NM_001080453.3 (MANE Select); coding-DNA position 6139, A replaced by G.
Protein change: p.Met2047Val; replaces methionine 2047 with valine.
Molecular consequence: missense variant.
Genome position (GRCh38, 1-based): chr7:1,472,318, T>C on the plus strand (A>G on the coding strand, the complement: INTS1 is on the minus strand). VCF-style: chr7-1472318-T-C. GRCh37 (hg19) VCF-style: chr7-1511954-T-C.
Other names: c.2656A>G, p.Met886Val (NM_015674.1); short protein forms M2047V, M886V.
Identifiers: ClinVar variation 1800697 (VCV001800697.27), dbSNP rs199728337, ClinGen allele CA4118099.

ClinVar aggregate classification (germline): Conflicting classifications of pathogenicity. Review status: criteria provided, conflicting classifications (1 of 4 stars). 3 submissions from 3 submitters: Uncertain significance (2); Likely benign (1). Last evaluated 2025-07-03.

Conditions:
Inborn genetic diseases. Identifiers: MedGen C0950123, MeSH D030342.

Allele frequency attached by ClinVar (database versions not stated): gnomAD 0.00026; gnomAD exomes 0.00033; TOPMed 0.00034; ESP Exome Variant Server 0.00040; ExAC 0.00113.
gnomAD v4.1: 503 of 1,569,722 alleles (0.032%); highest among the groups gnomAD compares: Middle Eastern, 0.22%; no homozygotes.

Submissions (3):

GeneDx
Classification: Uncertain significance. Last evaluated: 2025-07-03. Review status: criteria provided, single submitter. Criteria: GeneDx Variant Classification Process June 2021. Collection method: clinical testing. Allele origin: germline.
Comment: In silico analysis suggests that this missense variant does not alter protein structure/function; Has not been previously published as pathogenic or benign to our knowledge

Ambry Genetics
Classification: Uncertain significance for Inborn genetic diseases. Last evaluated: 2024-11-10. Review status: criteria provided, single submitter. Criteria: Ambry Variant Classification Scheme 2023. Collection method: clinical testing. Allele origin: germline.

CeGaT Center for Human Genetics Tuebingen
Classification: Likely benign. Last evaluated: 2024-08-01. Review status: criteria provided, single submitter. Criteria: CeGaT Center For Human Genetics Tuebingen Variant Classification Criteria Version 2. Collection method: clinical testing. Allele origin: germline. Affected: yes. Observed: 2 variant alleles.
Comment: INTS1: BP4